The following is an entry in ClinVar:

ClinVar aggregate classification (germline): Conflicting classifications of pathogenicity. Review status: criteria provided, conflicting classifications (1 of 4 stars). 6 submissions from 6 submitters: Uncertain significance (5); Likely benign (1). Last evaluated 2026-03-04.

Conditions:
TBC1D24-related disorder. Also called: TBC1D24-related condition; TBC1D24-related disorders. Identifiers: MedGen CN381194.
Developmental and epileptic encephalopathy, 1 (DEE1). Also called: Epileptic encephalopathy, early infantile, 1; X-linked infantile spasms; West's syndrome; Tonic spasms with clustering, arrest of psychomotor development and hypsarrhythmia on EEG; X-Linked Infantile Spasm Syndrome; OHTAHARA SYNDROME, X-LINKED. Identifiers: MedGen C3463992, MONDO:0010632, OMIM 308350. Disease mechanism: loss of function.
Autosomal dominant nonsyndromic hearing loss 65. Also called: TBC1D24-Related Autosomal Dominant Nonsyndromic Hearing Loss (DFNA); Deafness, autosomal dominant 65. Identifiers: Orphanet 90635, MedGen C3892048, MONDO:0014470, OMIM 616044.
Familial infantile myoclonic epilepsy (FIME). Also called: Epilepsy, Myoclonic, Infantile; TBC1D24-Related Familial Infantile Myoclonic Epilepsy (FIME). Identifiers: Orphanet 352582, MedGen C0917800, MONDO:0011506, OMIM 605021.

Allele frequency attached by ClinVar (database versions not stated): TOPMed 0.00002; ESP Exome Variant Server 0.00016.
gnomAD v4.1: 101 of 1,611,476 alleles (0.0063%); highest among the groups gnomAD compares: Middle Eastern, 0.05%; no homozygotes.

Submissions (6):

Women's Health and Genetics/Laboratory Corporation of America, LabCorp
Classification: Uncertain significance. Last evaluated: 2026-03-04. Review status: criteria provided, single submitter. Criteria: LabCorp Variant Classification Summary - May 2015. Collection method: clinical testing. Allele origin: germline.
Comment: Variant summary: TBC1D24 c.1367C>T (p.Pro456Leu) results in a non-conservative amino acid change in the encoded protein sequence. Algorithms developed to predict the effect of missense changes on protein structure and function are either unavailable or do not agree on the potential impact of this missense change. The variant allele was found at a frequency of 7.2e-05 in 237540 control chromosomes. This frequency is not significantly higher than estimated for disease-causing variants in TBC1D24, allowing no conclusion about variant significance. To our knowledge, no occurrence of c.1367C>T in individuals affected with TBC1D24-related conditions and no experimental evidence demonstrating its impact on protein function have been reported. ClinVar contains an entry for this variant (Variation ID: 431833). Based on the evidence outlined above, the variant was classified as uncertain significance.

PreventionGenetics, part of Exact Sciences
Classification: Uncertain significance for TBC1D24-related condition. Last evaluated: 2026-02-26. Review status: criteria provided, single submitter. Criteria: ACMG Guidelines, 2015. Collection method: clinical testing. Allele origin: germline.
Comment: The TBC1D24 c.1367C>T variant is predicted to result in the amino acid substitution p.Pro456Leu. To our knowledge, this variant has not been reported in the literature. This variant is reported in 0.014% of alleles in individuals of European (Non-Finnish) descent in gnomAD. At this time, the clinical significance of this variant is uncertain due to the absence of conclusive functional and genetic evidence.

Labcorp Genetics (formerly Invitae), Labcorp
Classification: Likely benign for Developmental and epileptic encephalopathy, 1; Autosomal dominant nonsyndromic hearing loss 65. Last evaluated: 2025-09-21. Review status: criteria provided, single submitter. Criteria: Invitae Variant Classification Sherloc (09022015). Collection method: clinical testing. Allele origin: germline.

GeneDx
Classification: Uncertain significance. Last evaluated: 2025-08-19. Review status: criteria provided, single submitter. Criteria: GeneDx Variant Classification Process June 2021. Collection method: clinical testing. Allele origin: germline. Affected: yes.
Comment: Not observed at significant frequency in large population cohorts (gnomAD); In silico analysis suggests that this missense variant does not alter protein structure/function; Has not been previously published as pathogenic or benign to our knowledge; This variant is associated with the following publications: (PMID: 24291220)

CeGaT Center for Human Genetics Tuebingen
Classification: Uncertain significance. Last evaluated: 2024-01-01. Review status: criteria provided, single submitter. Criteria: CeGaT Center For Human Genetics Tuebingen Variant Classification Criteria Version 2. Collection method: clinical testing. Allele origin: germline. Affected: yes. Observed: 3 variant alleles.
Comment: TBC1D24: PM2, BP4

Illumina Laboratory Services, Illumina
Classification: Uncertain significance for Familial infantile myoclonic epilepsy. Last evaluated: 2018-01-12. Review status: criteria provided, single submitter. Criteria: ICSL Variant Classification Criteria 13 December 2019. Collection method: clinical testing. Allele origin: germline.

NM_001199107.2(TBC1D24):c.1367C>T (p.Pro456Leu)

Gene: TBC1D24 (TBC1 domain family member 24; plus strand). Cytogenetic location: 16p13.3.
Variant type: single nucleotide variant.
Coding change: c.1367C>T on transcript NM_001199107.2 (MANE Select); coding-DNA position 1367, C replaced by T.
Protein change: p.Pro456Leu; replaces proline 456 with leucine.
Molecular consequence: missense variant.
Genome position (GRCh38, 1-based): chr16:2,500,332, C>T. VCF-style: chr16-2500332-C-T. GRCh37 (hg19) VCF-style: chr16-2550333-C-T.
Other names: c.1349C>T, p.Pro450Leu (NM_020705.3); short protein forms P456L, P450L.
Identifiers: ClinVar variation 431833 (VCV000431833.59), dbSNP rs200641000, ClinGen allele CA7844276.